The following is an entry in ClinVar:

ClinVar aggregate classification (germline): Pathogenic/Likely pathogenic. Review status: criteria provided, multiple submitters, no conflicts (2 of 4 stars). 3 submissions from 3 submitters: Pathogenic (2); Likely pathogenic (1). Last evaluated 2025-09-22.

Conditions:
Intellectual developmental disorder with behavioral abnormalities and craniofacial dysmorphism with or without seizures. Identifiers: MedGen C5231476, MONDO:0032883, OMIM 618725.

Submissions (3):

GeneDx
Classification: Pathogenic. Last evaluated: 2025-09-22. Review status: criteria provided, single submitter. Criteria: GeneDx Variant Classification Process June 2021. Collection method: clinical testing. Allele origin: germline.
Comment: Frameshift variant predicted to result in abnormal protein length as the last 29 amino acids are replaced with 103 different amino acids, and other similar variants have been reported in HGMD; Not observed at significant frequency in large population cohorts (gnomAD); This variant is associated with the following publications: (PMID: 31649809)

Greenwood Genetic Center Diagnostic Laboratories, Greenwood Genetic Center
Classification: Pathogenic for Intellectual developmental disorder with behavioral abnormalities and craniofacial dysmorphism with or without seizures. Last evaluated: 2023-08-14. Review status: criteria provided, single submitter. Criteria: ACMG Guidelines, 2015. Collection method: clinical testing. Allele origin: germline. Affected: yes.
Comment: PVS1, PS2, PM2

Laboratoire Génétique Moléculaire, CHRU TOURS
Classification: Likely pathogenic for Intellectual developmental disorder with behavioral abnormalities and craniofacial dysmorphism with or without seizures. Last evaluated: 2023-01-23. Review status: criteria provided, single submitter. Criteria: ACMG Guidelines, 2015. Collection method: clinical testing. Allele origin: unknown. Affected: yes.
Comment: PS2;PM2

NM_001352027.3(PHF21A):c.1958del (p.Pro653fs)

Gene: PHF21A (PHD finger protein 21A; minus strand). Cytogenetic location: 11p11.2.
Variant type: Deletion.
Coding change: c.1958del on transcript NM_001352027.3 (MANE Select); coding-DNA position 1958, one base deleted (C; older notation c.1958delC).
Protein change: p.Pro653fs; shifts the reading frame from proline 653.
Molecular consequence: frameshift variant. On other transcripts: non-coding transcript variant (2).
Genome position (GRCh38, 1-based): chr11:45,934,056, G deleted on the plus strand (C on the coding strand, the reverse complement: PHF21A is on the minus strand); the first of 7 consecutive G bases (chr11:45,934,056-45,934,062); deleting any one gives the same sequence. VCF-style (leftmost placement, unchanged base first): chr11-45934055-AG-A. GRCh37 (hg19) VCF-style: chr11-45955606-AG-A.
Other names: c.1817del (NM_016621.3); c.1955del, p.Pro652fs (NM_001101802.3); c.1958del, p.Pro653fs (NM_001352025.3, NM_001352026.3); c.1817del, p.Pro606fs (NM_001352028.1, NM_001352029.1, NM_016621.5); c.1814del, p.Pro605fs (NM_001352030.3, NM_001352031.3, NM_001352032.3); short protein forms P605fs, P606fs, P652fs, P653fs.
Identifiers: ClinVar variation 2626884 (VCV002626884.4), dbSNP rs761575760, ClinGen allele CA5960919.
Genomic context (GRCh38, chr11:45,934,055, plus strand): 5'-GTTCGCTGTGCAGCTCTGGGAGGAGGGGGAAGGGGCCGGCGTGGAGGTGGCGGCATTGGC[AG>A]GGGGGGTGCAGTCCGGGCCATTGGAGATGGCCCCCACAGTGGCCTCAGAGTCTACAGGTT-3'